The following is an entry in ClinVar:

ClinVar aggregate classification (germline): Uncertain significance (1 of 4 stars; one submission).

Allele frequency attached by ClinVar (database versions not stated): gnomAD 0.00002; TOPMed 0.00002; ExAC 0.00003; gnomAD exomes 0.00002.
gnomAD v4.1: 38 of 1,613,814 alleles (0.0024%); highest among the groups gnomAD compares: Middle Eastern, 0.016%; no homozygotes.

Submission:

Labcorp Genetics (formerly Invitae), Labcorp
Classification: Uncertain significance. Last evaluated: 2022-08-20. Review status: criteria provided, single submitter. Criteria: Invitae Variant Classification Sherloc (09022015). Collection method: clinical testing. Allele origin: germline.
Comment: This sequence change replaces arginine, which is basic and polar, with tryptophan, which is neutral and slightly polar, at codon 43 of the STX3 protein (p.Arg43Trp). This variant is present in population databases (rs765859203, gnomAD 0.02%). This variant has not been reported in the literature in individuals affected with STX3-related conditions. Algorithms developed to predict the effect of missense changes on protein structure and function are either unavailable or do not agree on the potential impact of this missense change (SIFT: "Deleterious"; PolyPhen-2: "Probably Damaging"; Align-GVGD: "Class C0"). Algorithms developed to predict the effect of sequence changes on RNA splicing suggest that this variant may disrupt the consensus splice site. In summary, the available evidence is currently insufficient to determine the role of this variant in disease. Therefore, it has been classified as a Variant of Uncertain Significance.

NM_004177.5(STX3):c.127C>T (p.Arg43Trp)

Gene: STX3 (syntaxin 3; plus strand). Cytogenetic location: 11q12.1.
Variant type: single nucleotide variant.
Coding change: c.127C>T on transcript NM_004177.5 (MANE Select); coding-DNA position 127, C replaced by T.
Protein change: p.Arg43Trp; replaces arginine 43 with tryptophan.
Molecular consequence: missense variant.
Genome position (GRCh38, 1-based): chr11:59,787,049, C>T. VCF-style: chr11-59787049-C-T. GRCh37 (hg19) VCF-style: chr11-59554522-C-T.
Other names: c.127C>T, p.Arg43Trp (NM_001178040.3); short protein forms R43W.
Identifiers: ClinVar variation 2173832 (VCV002173832.1), dbSNP rs765859203, ClinGen allele CA6020753.